The following is an entry in ClinVar:

ClinVar aggregate classification (germline): Uncertain significance (1 of 4 stars; one submission).

gnomAD v4.1: 15 of 1,614,206 alleles (0.00093%); highest among the groups gnomAD compares: Non-Finnish European, 0.0013%; no homozygotes.

Submission:

Women's Health and Genetics/Laboratory Corporation of America, LabCorp
Classification: Uncertain significance. Last evaluated: 2026-01-06. Review status: criteria provided, single submitter. Criteria: LabCorp Variant Classification Summary - May 2015. Collection method: clinical testing. Allele origin: germline.
Comment: Variant summary: HADHA c.2146G>C (p.Gly716Arg) results in a non-conservative amino acid change in the encoded protein sequence. Algorithms developed to predict the effect of missense changes on protein structure and function all suggest that this variant is likely to be disruptive. Several computational tools predict a significant impact on normal splicing: Four predict the variant abolishes a 5' splicing donor site, one predicts the variant strengthens a cryptic 3' acceptor site, and one predicts the variant creates a cryptic 3' acceptor site. However, these predictions have yet to be confirmed by functional studies. The variant was absent in 251234 control chromosomes. The available data on variant occurrences in the general population are insufficient to allow any conclusion about variant significance. To our knowledge, no occurrence of c.2146G>C in individuals affected with HADHA-related conditions and no experimental evidence demonstrating its impact on protein function have been reported. No submitters have cited clinical-significance assessments for this variant to ClinVar. Based on the evidence outlined above, the variant was classified as uncertain significance.

NM_000182.5(HADHA):c.2146G>C (p.Gly716Arg)

Genes: GAREM2 (GRB2 associated regulator of MAPK1 subtype 2; plus strand), HADHA (hydroxyacyl-CoA dehydrogenase trifunctional multienzyme complex subunit alpha; minus strand). Cytogenetic location: 2p23.3.
Variant type: single nucleotide variant.
Coding change: c.2146G>C on transcript NM_000182.5 (MANE Select); coding-DNA position 2146, G replaced by C.
Protein change: p.Gly716Arg; replaces glycine 716 with arginine.
Molecular consequence: missense variant.
Genome position (GRCh38, 1-based): chr2:26,191,483, C>G on the plus strand (G>C on the coding strand, the complement: HADHA is on the minus strand). VCF-style: chr2-26191483-C-G. GRCh37 (hg19) VCF-style: chr2-26414352-C-G.
Other names: short protein forms G716R.
Identifiers: ClinVar variation 4689604 (VCV004689604.1).